The following is an entry in ClinVar:

NM_001081.4(CUBN):c.10132G>T (p.Gly3378Ter)

Gene: CUBN (cubilin; minus strand). Cytogenetic location: 10p13.
Variant type: single nucleotide variant.
Coding change: c.10132G>T on transcript NM_001081.4 (MANE Select); coding-DNA position 10132, G replaced by T.
Protein change: p.Gly3378Ter; replaces glycine 3378 with a stop codon.
Molecular consequence: nonsense.
Genome position (GRCh38, 1-based): chr10:16,836,283, C>A on the plus strand (G>T on the coding strand, the complement: CUBN is on the minus strand). VCF-style: chr10-16836283-C-A. GRCh37 (hg19) VCF-style: chr10-16878282-C-A.
Other names: short protein forms G3378*.
Identifiers: ClinVar variation 5007693 (VCV005007693.2).
Genomic context (GRCh38, chr10:16,836,283, plus strand): 5'-TCCTGGCCTCACCTGCAATCTGATAGGTGAAACTCATTCTAGAGTTTCTGTTTACAACTC[C>A]AGATTTGAAAATGACCATTGCAGTACTCATAGAAGAATAAAACACTGGCACAGCCGAAGC-3'

ClinVar aggregate classification (germline): Likely pathogenic (1 of 4 stars; one submission).

Conditions:
Proteinuria, chronic benign. Identifiers: MedGen C5394384, MONDO:0030042, OMIM 618884.
Imerslund-Grasbeck syndrome type 1 (IGS1). Also called: Megaloblastic anemia 1, Finnish type; Imerslund-Gräsbeck syndrome 1; MEGALOBLASTIC ANEMIA, 1. Identifiers: MedGen C4016819, MONDO:0100156, OMIM 261100.

Submission:

Juno Genomics, Hangzhou Juno Genomics, Inc
Classification: Likely pathogenic for Proteinuria, chronic benign; Imerslund-Grasbeck syndrome type 1. Review status: criteria provided, single submitter. Criteria: ACMG Guidelines, 2015. Collection method: clinical testing. Allele origin: germline.
Comment: Null variant in a gene where loss of function (LOF) is a known mechanism of disease.;Absent from controls (or at extremely low frequency if recessive) in Genome Aggregation Database.